The following is an entry in ClinVar:

ClinVar aggregate classification (germline): Uncertain significance. Review status: criteria provided, multiple submitters, no conflicts (2 of 4 stars). 3 submissions from 3 submitters: Uncertain significance (3). Last evaluated 2022-07-19.

Conditions:
Emery-Dreifuss muscular dystrophy 4, autosomal dominant (EDMD4). Also called: EMERY-DREIFUSS MUSCULAR DYSTROPHY 4 WITH VARIABLE FEATURES. Identifiers: Orphanet 261, MedGen C2751807, MONDO:0013071, OMIM 612998.
Autosomal recessive ataxia, Beauce type. Also called: Spinocerebellar ataxia, autosomal recessive 8; SYNE1 Deficiency; ATAXIA, RECESSIVE, OF BEAUCE; SYNE1-Related Autosomal Recessive Cerebellar Ataxia. Identifiers: Orphanet 88644, MedGen C1853116, MONDO:0012549, OMIM 610743.

Allele frequency attached by ClinVar (database versions not stated): gnomAD exomes below 0.00001.
gnomAD v4.1: 5 of 1,613,760 alleles (0.00031%); highest among the groups gnomAD compares: African/African-American, 0.0027%; no homozygotes.

Submissions (3):

Labcorp Genetics (formerly Invitae), Labcorp
Classification: Uncertain significance for Emery-Dreifuss muscular dystrophy 4, autosomal dominant; Autosomal recessive ataxia, Beauce type. Last evaluated: 2022-07-19. Review status: criteria provided, single submitter. Criteria: Invitae Variant Classification Sherloc (09022015). Collection method: clinical testing. Allele origin: germline.
Comment: ClinVar contains an entry for this variant (Variation ID: 597611). This variant has not been reported in the literature in individuals affected with SYNE1-related conditions. This variant is not present in population databases (gnomAD no frequency). This sequence change replaces aspartic acid, which is acidic and polar, with glutamic acid, which is acidic and polar, at codon 23 of the SYNE1 protein (p.Asp23Glu). Algorithms developed to predict the effect of missense changes on protein structure and function are either unavailable or do not agree on the potential impact of this missense change (SIFT: "Deleterious"; PolyPhen-2: "Benign"; Align-GVGD: "Class C0"). In summary, the available evidence is currently insufficient to determine the role of this variant in disease. Therefore, it has been classified as a Variant of Uncertain Significance. Algorithms developed to predict the effect of sequence changes on RNA splicing suggest that this variant may create or strengthen a splice site.

Blueprint Genetics
Classification: Uncertain significance. Last evaluated: 2021-01-29. Review status: criteria provided, single submitter. Criteria: ACMG Guidelines, 2015. Collection method: clinical testing. Allele origin: germline.

Eurofins Ntd Llc (ga)
Classification: Uncertain significance. Last evaluated: 2018-06-15. Review status: criteria provided, single submitter. Criteria: EGL ClinVar v180209 classification definitions. Collection method: clinical testing. Allele origin: germline. Observed: 2 variant alleles, 2 heterozygotes.

NM_182961.4(SYNE1):c.69T>A (p.Asp23Glu)

Gene: SYNE1 (spectrin repeat containing nuclear envelope protein 1; minus strand). Cytogenetic location: 6q25.2.
Variant type: single nucleotide variant.
Coding change: c.69T>A on transcript NM_182961.4 (MANE Select); coding-DNA position 69, T replaced by A.
Protein change: p.Asp23Glu; replaces aspartic acid 23 with glutamic acid.
Molecular consequence: missense variant.
Genome position (GRCh38, 1-based): chr6:152,540,020, A>T on the plus strand (T>A on the coding strand, the complement: SYNE1 is on the minus strand). VCF-style: chr6-152540020-A-T. GRCh37 (hg19) VCF-style: chr6-152861155-A-T.
Other names: c.69T>A, p.Asp23Glu (NM_033071.5); short protein forms D23E.
Identifiers: ClinVar variation 597611 (VCV000597611.13), dbSNP rs1564735123, ClinGen allele CA366120963.